The following is an entry in ClinVar:

NM_022489.4(INF2):c.1318C>T (p.Pro440Ser)

Gene: INF2 (inverted formin 2; plus strand). Cytogenetic location: 14q32.33.
Variant type: single nucleotide variant.
Coding change: c.1318C>T on transcript NM_022489.4 (MANE Select); coding-DNA position 1318, C replaced by T.
Protein change: p.Pro440Ser; replaces proline 440 with serine.
Molecular consequence: missense variant. On other transcripts: non-coding transcript variant (1).
Genome position (GRCh38, 1-based): chr14:104,707,585, C>T. VCF-style: chr14-104707585-C-T. GRCh37 (hg19) VCF-style: chr14-105173922-C-T.
Other names: c.1318C>T, p.Pro440Ser (NM_001031714.4, NM_001426862.1, NM_001426863.1 and 2 more transcripts); short protein forms P440S.
Identifiers: ClinVar variation 3393632 (VCV003393632.1).

ClinVar aggregate classification (germline): Uncertain significance (1 of 4 stars; one submission).

gnomAD v4.1: 7 of 1,078,148 alleles (0.00065%); highest among the groups gnomAD compares: Non-Finnish European, 0.00088%; no homozygotes.

Submission:

GeneDx
Classification: Uncertain significance. Last evaluated: 2024-06-28. Review status: criteria provided, single submitter. Criteria: GeneDx Variant Classification Process June 2021. Collection method: clinical testing. Allele origin: germline. Affected: yes.
Comment: Not observed at significant frequency in large population cohorts (gnomAD); In silico analysis indicates that this missense variant does not alter protein structure/function; Has not been previously published as pathogenic or benign to our knowledge